The following is an entry in ClinVar:

ClinVar aggregate classification (germline): Likely pathogenic (1 of 4 stars; one submission).

Conditions:
Autosomal recessive nonsyndromic hearing loss 3. Also called: NEUROSENSORY NONSYNDROMIC RECESSIVE DEAFNESS 3. Identifiers: Orphanet 90636, MedGen C1838263, MONDO:0010860, OMIM 600316.

Submission:

Institute of Rare Diseases, West China Hospital, Sichuan University
Classification: Likely pathogenic for Autosomal recessive nonsyndromic hearing loss 3. Last evaluated: 2025-01-09. Review status: criteria provided, single submitter. Criteria: ClinGen HL ACMG Specifications v1. Collection method: research. Allele origin: germline. Affected: yes.
Comment: PVS1;PM2_Supporting

NM_016239.4(MYO15A):c.5361-1G>C

Gene: MYO15A (myosin XVA; plus strand). Cytogenetic location: 17p11.2.
Variant type: single nucleotide variant.
Coding change: c.5361-1G>C on transcript NM_016239.4 (MANE Select); the canonical splice acceptor site of the intron before coding-DNA position 5361, G replaced by C.
Molecular consequence: splice acceptor variant.
Genome position (GRCh38, 1-based): chr17:18,140,786, G>C. VCF-style: chr17-18140786-G-C. GRCh37 (hg19) VCF-style: chr17-18044100-G-C.
Identifiers: ClinVar variation 3601358 (VCV003601358.1).
Genomic context (GRCh38, chr17:18,140,786, plus strand): 5'-TCAGAGGTTGAGCGCCTTCTTTTTCTGAGGCCTCATGCTGTCCTCTTCCTGCCACTGCCA[G>C]GTGCAACCCCTTGTTCATGCGTTGCCTGAAGCCCAACCACAAGAAGGTGAGTGAGAGCTG-3'